The following is an entry in ClinVar:

ClinVar aggregate classification (germline): Conflicting classifications of pathogenicity. Review status: criteria provided, conflicting classifications (1 of 4 stars). 15 submissions from 13 submitters: Uncertain significance (1); Benign (2); Likely benign (8). 4 of the submissions do not count toward it. Last evaluated 2026-09-01.

Conditions:
MYO7A-related disorder. Also called: MYO7A-related disorders.
Usher syndrome type 1 (USH1). Also called: RETINITIS PIGMENTOSA AND CONGENITAL DEAFNESS. Identifiers: Orphanet 231169, Orphanet 886, MedGen C1568247, MONDO:0010168, OMIM 276900.
Autosomal recessive nonsyndromic hearing loss 2. Also called: DEAFNESS, AUTOSOMAL RECESSIVE 2; NEUROSENSORY NONSYNDROMIC RECESSIVE DEAFNESS 2. Identifiers: Orphanet 90636, MedGen C1838701, MONDO:0010807, OMIM 600060.
Usher syndrome type 1B (USH1B). Also called: Usher syndrome type IB. Identifiers: MedGen C1848638, MONDO:0700087.
Autosomal dominant nonsyndromic hearing loss 11. Identifiers: Orphanet 90635, MedGen C1832475, MONDO:0011032, OMIM 601317.

Allele frequency attached by ClinVar (database versions not stated): TOPMed 0.00201; 1000 Genomes Project 30x 0.00031; ESP Exome Variant Server 0.00284.
gnomAD v4.1: 3,978 of 1,549,698 alleles (0.26%); highest among the groups gnomAD compares: Non-Finnish European, 0.31%; 13 homozygotes.

Submissions (15):

CeGaT Center for Human Genetics Tuebingen
Classification: Likely benign. Last evaluated: 2026-09-01. Review status: criteria provided, single submitter. Criteria: CeGaT Center For Human Genetics Tuebingen Variant Classification Criteria Version 2. Collection method: clinical testing. Allele origin: germline. Affected: yes. Observed: 11 variant alleles.
Comment: MYO7A: BS1

Women's Health and Genetics/Laboratory Corporation of America, LabCorp
Classification: Likely benign. Last evaluated: 2026-04-16. Review status: criteria provided, single submitter. Criteria: LabCorp Variant Classification Summary - May 2015. Collection method: clinical testing. Allele origin: germline.
Comment: Variant summary: MYO7A c.5227C>T (p.Arg1743Trp) results in a non-conservative amino acid change in the encoded protein sequence. Algorithms developed to predict the effect of missense changes on protein structure and function are either unavailable or do not agree on the potential impact of this missense change. The variant allele was found at a frequency of 0.0025 in 31380 control chromosomes, predominantly at a frequency of 0.007 within the Ashkenazi Jewish subpopulation in the gnomAD genome database. The available data on variant occurrences in the general population are insufficient to allow any conclusion about variant significance. To our knowledge, no experimental evidence demonstrating its impact on protein function has been reported. ClinVar contains an entry for this variant (Variation ID: 43278). Based on the evidence outlined above, the variant was classified as likely benign.

Labcorp Genetics (formerly Invitae), Labcorp
Classification: Likely benign. Last evaluated: 2026-02-02. Review status: criteria provided, single submitter. Criteria: Invitae Variant Classification Sherloc (09022015). Collection method: clinical testing. Allele origin: germline.

Blueprint Genetics
Classification: Likely benign. Last evaluated: 2024-11-21. Review status: criteria provided, single submitter. Criteria: ACMG Guidelines, 2015. Collection method: clinical testing. Allele origin: germline.

GeneDx
Classification: Likely benign. Last evaluated: 2021-05-28. Review status: criteria provided, single submitter. Criteria: GeneDx Variant Classification Process June 2021. Collection method: clinical testing. Allele origin: germline. Affected: yes.
Comment: In silico analysis supports that this missense variant has a deleterious effect on protein structure/function; This variant is associated with the following publications: (PMID: 20613545, 10930322, 23891399, 22785243, 9718356, 15043528, 18463160, 26969326, 16963483, 21873662, 10704189, 30245029)

Mendelics
Classification: Benign for Autosomal recessive nonsyndromic hearing loss 2. Last evaluated: 2019-05-28. Review status: criteria provided, single submitter. Criteria: Mendelics Assertion Criteria 2017. Collection method: clinical testing. Allele origin: unknown.

Illumina Laboratory Services, Illumina
Classification: Likely benign for Usher syndrome type 1. Last evaluated: 2017-04-27. Review status: criteria provided, single submitter. Criteria: ICSL Variant Classification Criteria 13 December 2019. Collection method: clinical testing. Allele origin: germline.
Comment: This variant was observed as part of a predisposition screen in an ostensibly healthy population. A literature search was performed for the gene, cDNA change, and amino acid change (where applicable). No publications were found based on this search. Allele frequency data from public databases allowed determination this variant is unlikely to cause disease. Therefore, this variant is classified as likely benign.

Illumina Laboratory Services, Illumina
Classification: Likely benign for Autosomal recessive nonsyndromic hearing loss 2. Last evaluated: 2017-04-27. Review status: criteria provided, single submitter. Criteria: ICSL Variant Classification Criteria 13 December 2019. Collection method: clinical testing. Allele origin: germline.
Comment: the same text as in the submission from Illumina Laboratory Services, Illumina above.

Illumina Laboratory Services, Illumina
Classification: Likely benign for Autosomal dominant nonsyndromic hearing loss 11. Last evaluated: 2017-04-27. Review status: criteria provided, single submitter. Criteria: ICSL Variant Classification Criteria 13 December 2019. Collection method: clinical testing. Allele origin: germline.
Comment: the same text as in the submission from Illumina Laboratory Services, Illumina above.

Eurofins Ntd Llc (ga)
Classification: Uncertain significance. Last evaluated: 2014-11-08. Review status: criteria provided, single submitter. Criteria: EGL Classification Definitions 2015. Collection method: clinical testing. Allele origin: germline. Observed: 4 variant alleles, 4 heterozygotes.

Laboratory for Molecular Medicine, Mass General Brigham Personalized Medicine
Classification: Benign. Last evaluated: 2013-05-31. Review status: criteria provided, single submitter. Criteria: LMM Criteria. Collection method: clinical testing. Allele origin: germline. Observed: 10 variant alleles.
Comment: Arg1743Trp in exon 38 of MYO7A: The Arg1743Trp variant has been reported indivi duals with Usher syndrome (Bharadwaj 2000, Pennings 2004, Cremers 2007, Jacobson 2008, Jacobson 2008). However, this variant is not expected to have clinical s ignificance because it has been identified in 0.38% (31/8068) of European Americ an chromosomes by the NHLBI Exome Sequencing Project (du/EVS/; rs111033287). Therefore, this variant meets our criteria to be classif ied as benign and the previous reports of this variant in clinical cohorts is mo st likely explained by incidental findings of this variant due to it's frequency in the general population rather than it's association with Usher syndrome.

PreventionGenetics, part of Exact Sciences
Classification: Likely benign for MYO7A-related condition. Last evaluated: 2022-05-11. Review status: no assertion criteria provided. Collection method: clinical testing. Allele origin: germline. Not counted in ClinVar's aggregate classification.
Comment: This variant is classified as likely benign based on ACMG/AMP sequence variant interpretation guidelines (Richards et al. 2015 PMID: 25741868, with internal and published modifications).

Natera, Inc.
Classification: Likely benign for Usher syndrome type 1B. Last evaluated: 2020-04-17. Review status: no assertion criteria provided. Collection method: clinical testing. Allele origin: germline. Not counted in ClinVar's aggregate classification.

Clinical Genetics DNA and cytogenetics Diagnostics Lab, Erasmus MC, Erasmus Medical Center
Classification: Uncertain significance. Review status: no assertion criteria provided. Collection method: clinical testing. Allele origin: germline. Affected: yes. Study: VKGL Data-share Consensus. Not counted in ClinVar's aggregate classification.

Joint Genome Diagnostic Labs from Nijmegen and Maastricht, Radboudumc and MUMC+
Classification: Uncertain significance. Review status: no assertion criteria provided. Collection method: clinical testing. Allele origin: germline. Affected: yes. Study: VKGL Data-share Consensus. Not counted in ClinVar's aggregate classification.

Literature cited by the submitters: PubMed 10930322 (cited by Eurofins Ntd Llc (ga) and Laboratory for Molecular Medicine, Mass General Brigham Personalized Medicine); PubMed 15043528 (cited by Eurofins Ntd Llc (ga) and Laboratory for Molecular Medicine, Mass General Brigham Personalized Medicine); PubMed 16963483 (cited by Eurofins Ntd Llc (ga) and Laboratory for Molecular Medicine, Mass General Brigham Personalized Medicine); PubMed 18463160 (cited by Eurofins Ntd Llc (ga) and Laboratory for Molecular Medicine, Mass General Brigham Personalized Medicine); PubMed 20613545 (cited by Eurofins Ntd Llc (ga)); PubMed 21873662 (cited by Eurofins Ntd Llc (ga)); PubMed 22785243 (cited by Eurofins Ntd Llc (ga)); PubMed 9718356 (cited by Laboratory for Molecular Medicine, Mass General Brigham Personalized Medicine).

NM_000260.4(MYO7A):c.5227C>T (p.Arg1743Trp)

Gene: MYO7A (myosin VIIA; plus strand). Cytogenetic location: 11q13.5.
Variant type: single nucleotide variant.
Coding change: c.5227C>T on transcript NM_000260.4 (MANE Select); coding-DNA position 5227, C replaced by T.
Protein change: p.Arg1743Trp; replaces arginine 1743 with tryptophan.
Molecular consequence: missense variant.
Genome position (GRCh38, 1-based): chr11:77,203,118, C>T. VCF-style: chr11-77203118-C-T. GRCh37 (hg19) VCF-style: chr11-76914163-C-T.
Other names: c.5113C>T, p.Arg1705Trp (NM_001127180.2); c.5080C>T, p.Arg1694Trp (NM_001369365.1); short protein forms R1743W, R1694W, R1705W.
Identifiers: ClinVar variation 43278 (VCV000043278.67), dbSNP rs111033287, ClinGen allele CA132381.